The following is an entry in ClinVar:

ClinVar aggregate classification (germline): Likely pathogenic (1 of 4 stars; one submission).

Conditions:
Autosomal recessive limb-girdle muscular dystrophy type 2A (LGMDR1). Also called: Muscular dystrophy, limb-girdle, type 2A, Amish; LEYDEN-MOEBIUS MUSCULAR DYSTROPHY; MUSCULAR DYSTROPHY, PELVOFEMORAL; Limb-girdle muscular dystrophy, type 2A; Calpainopathy. Identifiers: Orphanet 267, MedGen C1869123, MONDO:0009675, OMIM 253600. Disease mechanism: loss of function.

Submission:

Labcorp Genetics (formerly Invitae), Labcorp
Classification: Likely pathogenic for Autosomal recessive limb-girdle muscular dystrophy type 2A. Last evaluated: 2022-07-02. Review status: criteria provided, single submitter. Criteria: Invitae Variant Classification Sherloc (09022015). Collection method: clinical testing. Allele origin: germline.
Comment: In summary, the currently available evidence indicates that the variant is pathogenic, but additional data are needed to prove that conclusively. Therefore, this variant has been classified as Likely Pathogenic. This variant disrupts a region of the CAPN3 protein in which other variant(s) (p.Asp705Gly) have been observed in individuals with CAPN3-related conditions (PMID: 11297944, 25135358). This suggests that this is a clinically significant region of the protein, and that variants that disrupt it are likely to be disease-causing. Algorithms developed to predict the effect of sequence changes on RNA splicing suggest that this variant may disrupt the consensus splice site. This variant has not been reported in the literature in individuals affected with CAPN3-related conditions. This variant is not present in population databases (gnomAD no frequency). This variant results in the deletion of part of exon 19 (c.2112_2115+2del) of the CAPN3 gene. It is expected to disrupt RNA splicing. Variants that disrupt the donor or acceptor splice site typically lead to a loss of protein function (PMID: 16199547), and loss-of-function variants in CAPN3 are known to be pathogenic (PMID: 10330340, 15689361).

Literature cited by the submitters: PubMed 11297944; PubMed 25135358; PubMed 16199547; PubMed 10330340; PubMed 15689361.

NM_000070.3(CAPN3):c.2112_2115+2del

Gene: CAPN3 (calpain 3; plus strand). Cytogenetic location: 15q15.1.
Variant type: Deletion.
Coding change: c.2112_2115+2del on transcript NM_000070.3 (MANE Select); coding-DNA position 2112 through the canonical splice donor site of the intron after coding-DNA position 2115, 6 bases deleted (GGATGT; older notation c.2112_2115+2delGGATGT).
Molecular consequence: splice donor variant.
Genome position (GRCh38, 1-based): chr15:42,409,992-42,409,997, GGATGT deleted; deleting any 6 consecutive bases within chr15:42,409,991-42,409,997 gives the same sequence; the c. name uses the placement nearest the transcript's 3' end. VCF-style (leftmost placement, unchanged base first): chr15-42409990-ATGGATG-A. GRCh37 (hg19) VCF-style: chr15-42702188-ATGGATG-A.
Other names: c.2094_2097+2del (NM_024344.2); c.1836_1839+2del (NM_173087.2); c.576_579+2del (NM_173088.2); c.117_120+2del (NM_173090.2, NM_173089.2).
Identifiers: ClinVar variation 2013176 (VCV002013176.4), dbSNP rs2548291784, ClinGen allele CA2580089417.
Genomic context (GRCh38, chr15:42,409,990, plus strand): 5'-GACAAGGACCTGAAGACACACGGGTTCACACTGGAGTCCTGCCGTAGCATGATTGCGCTC[ATGGATG>A]TATCCTTCCTGCCGCCCCTTCCCGACCCTCTGTCATCAGCCCACGGGGGCCAAGGCAACA-3'